The following is an entry in ClinVar:

NM_004369.4(COL6A3):c.6571C>T (p.Pro2191Ser)

Gene: COL6A3 (collagen type VI alpha 3 chain; minus strand). Cytogenetic location: 2q37.3.
Variant type: single nucleotide variant.
Coding change: c.6571C>T on transcript NM_004369.4 (MANE Select); coding-DNA position 6571, C replaced by T.
Protein change: p.Pro2191Ser; replaces proline 2191 with serine.
Molecular consequence: missense variant.
Genome position (GRCh38, 1-based): chr2:237,357,358, G>A on the plus strand (C>T on the coding strand, the complement: COL6A3 is on the minus strand). VCF-style: chr2-237357358-G-A. GRCh37 (hg19) VCF-style: chr2-238266001-G-A.
Other names: c.4750C>T, p.Pro1584Ser (NM_057166.5); c.5953C>T, p.Pro1985Ser (NM_057167.4); short protein forms P2191S, P1584S, P1985S.
Identifiers: ClinVar variation 423865 (VCV000423865.5), dbSNP rs370056446, ClinGen allele CA16617500.

ClinVar aggregate classification (germline): Uncertain significance. Review status: criteria provided, multiple submitters, no conflicts (2 of 4 stars). 2 submissions from 2 submitters: Uncertain significance (2). Last evaluated 2022-08-19.

Allele frequency attached by ClinVar (database versions not stated): gnomAD exomes below 0.00001; TOPMed below 0.00001; ESP Exome Variant Server 0.00008.
gnomAD v4.1: 2 of 1,613,988 alleles (0.00012%); highest among the groups gnomAD compares: Non-Finnish European, 0.00017%; no homozygotes.

Submissions (2):

Revvity Omics, Revvity
Classification: Uncertain significance. Last evaluated: 2022-08-19. Review status: criteria provided, single submitter. Criteria: ACMG Guidelines, 2015. Collection method: clinical testing. Allele origin: germline.

GeneDx
Classification: Uncertain significance. Last evaluated: 2017-02-28. Review status: criteria provided, single submitter. Criteria: GeneDx Variant Classification (06012015). Collection method: clinical testing. Allele origin: germline. Affected: yes.
Comment: The P2191S variant in the COL6A3 gene has not been reported previously as a pathogenic variant, nor as a benign variant, to our knowledge. The P2191S variant is not observed at a significant frequency in large population cohorts (Lek et al., 2016; 1000 Genomes Consortium et al., 2015; Exome Variant Server). The P2191S variant is a non-conservative amino acid substitution, which is likely to impact secondary protein structure as these residues differ in polarity, charge, size and/or other properties. This substitution occurs at a position that is conserved across species, and in silico analysis predicts this variant is probably damaging to the protein structure/function. We interpret P2191S as a variant of uncertain significance.